The following is an entry in ClinVar:

ClinVar aggregate classification (germline): Benign/Likely benign. Review status: criteria provided, multiple submitters, no conflicts (2 of 4 stars). 8 submissions from 8 submitters: Benign (1); Likely benign (7). Last evaluated 2025-12-13.

Conditions:
Hereditary cancer-predisposing syndrome. Also called: Tumor predisposition; Hereditary Cancer Syndrome; Hereditary neoplastic syndrome; Neoplastic Syndromes, Hereditary. Identifiers: Orphanet 140162, MedGen C0027672, MeSH D009386, MONDO:0015356.
Hereditary breast ovarian cancer syndrome. Also called: Breast and ovarian cancer; Hereditary breast and/or ovarian cancer syndrome; BRCA1- and BRCA2-Associated Hereditary Breast and Ovarian Cancer; Hereditary breast and ovarian cancer syndrome; Hereditary breast and ovarian cancer syndrome (HBOC); Hereditary breast and ovarian cancer. Identifiers: Orphanet 145, MedGen C0677776, MeSH D061325, MONDO:0003582. Disease mechanism: loss of function.
Breast-ovarian cancer, familial, susceptibility to, 1 (BROVCA1). Also called: BRCA1 Hereditary Breast and Ovarian Cancer; OVARIAN CANCER, SUSCEPTIBILITY TO. Identifiers: Orphanet 145, MedGen C2676676, MONDO:0011450, OMIM 604370. Disease mechanism: loss of function.

Allele frequency attached by ClinVar (database versions not stated): gnomAD 0.00001; TOPMed 0.00002.
gnomAD v4.1: 1 of 1,613,882 alleles (0.000062%); highest among the groups gnomAD compares: African/African-American, 0.0013%; no homozygotes.

Submissions (8):

Labcorp Genetics (formerly Invitae), Labcorp
Classification: Likely benign for Hereditary breast ovarian cancer syndrome. Last evaluated: 2025-12-13. Review status: criteria provided, single submitter. Criteria: Invitae Variant Classification Sherloc (09022015). Collection method: clinical testing. Allele origin: germline.

All of Us Research Program, National Institutes of Health
Classification: Likely benign for Breast-ovarian cancer, familial, susceptibility to, 1. Last evaluated: 2023-05-31. Review status: criteria provided, single submitter. Criteria: ACMG Guidelines, 2015. Collection method: clinical testing. Allele origin: germline. Inheritance: Autosomal dominant inheritance. Observed: 1 variant allele, 1 heterozygote.
Comment: This study involves interpretation of variants in research participants for the purpose of population health screening. Participant phenotype was not available at the time of variant classification. Additional details can be found in publication PMID: 35346344, PMCID: PMC8962531

Sema4
Classification: Likely benign for Hereditary cancer-predisposing syndrome. Last evaluated: 2021-09-18. Review status: criteria provided, single submitter. Criteria: Sema4 Curation Guidelines. Collection method: curation. Allele origin: germline.

Women's Health and Genetics/Laboratory Corporation of America, LabCorp
Classification: Likely benign. Last evaluated: 2020-10-30. Review status: criteria provided, single submitter. Criteria: LabCorp Variant Classification Summary - May 2015. Collection method: clinical testing. Allele origin: germline.

Quest Diagnostics Nichols Institute San Juan Capistrano
Classification: Likely benign. Last evaluated: 2020-07-17. Review status: criteria provided, single submitter. Criteria: Quest Diagnostics criteria. Collection method: clinical testing. Allele origin: unknown.

Ambry Genetics
Classification: Likely benign for Hereditary cancer-predisposing syndrome. Last evaluated: 2017-04-12. Review status: criteria provided, single submitter. Criteria: Ambry Variant Classification Scheme 2023. Collection method: clinical testing. Allele origin: germline.

Color Diagnostics, LLC DBA Color Health
Classification: Likely benign for Hereditary cancer-predisposing syndrome. Last evaluated: 2016-05-16. Review status: criteria provided, single submitter. Criteria: ACMG Guidelines, 2015. Collection method: clinical testing. Allele origin: germline.

GeneDx
Classification: Benign. Last evaluated: 2015-07-23. Review status: criteria provided, single submitter. Criteria: GeneDx Variant Classification Process June 2021. Collection method: clinical testing. Allele origin: germline. Affected: yes.

NM_007294.4(BRCA1):c.1026G>A (p.Leu342=)

Gene: BRCA1 (BRCA1 DNA repair associated; minus strand). Cytogenetic location: 17q21.31.
Variant type: single nucleotide variant.
Coding change: c.1026G>A on transcript NM_007294.4 (MANE Select); coding-DNA position 1026, G replaced by A.
Protein change: p.Leu342=; no amino-acid change (leucine 342 retained).
Molecular consequence: synonymous variant. On other transcripts: intron variant (137).
Genome position (GRCh38, 1-based): chr17:43,094,505, C>T on the plus strand (G>A on the coding strand, the complement: BRCA1 is on the minus strand). VCF-style: chr17-43094505-C-T. GRCh37 (hg19) VCF-style: chr17-41246522-C-T.
Other names: c.813G>A, p.Leu271= (NM_001407571.1, NM_001407853.1, NM_001407894.1 and 9 more transcripts); c.1026G>A, p.Leu342= (NM_001407581.1, NM_001407582.1, NM_001407583.1 and 30 more transcripts); c.1023G>A, p.Leu341= (NM_001407587.1, NM_001407590.1, NM_001407591.1 and 22 more transcripts); c.1017G>A, p.Leu339= (NM_001407646.1, NM_001407647.1); c.903G>A, p.Leu301= (NM_001407648.1, NM_001407664.1, NM_001407665.1 and 19 more transcripts); c.900G>A, p.Leu300= (NM_001407649.1, NM_001407670.1, NM_001407671.1 and 11 more transcripts); c.948G>A, p.Leu316= (NM_001407653.1, NM_001407654.1, NM_001407655.1 and 4 more transcripts); c.945G>A, p.Leu315= (NM_001407659.1, NM_001407660.1, NM_001407661.1 and 1 more transcripts); and 40 more.
Identifiers: ClinVar variation 481481 (VCV000481481.25), dbSNP rs1171571879, ClinGen allele CA500234031.